The following is an entry in ClinVar:

NM_016653.3(MAP3K20):c.2275G>A (p.Glu759Lys)

Genes: MAP3K20 (mitogen-activated protein kinase kinase kinase 20; plus strand), MAP3K20-AS1 (MAP3K20 antisense RNA 1; minus strand). Cytogenetic location: 2q31.1.
Variant type: single nucleotide variant.
Coding change: c.2275G>A on transcript NM_016653.3 (MANE Select); coding-DNA position 2275, G replaced by A.
Protein change: p.Glu759Lys; replaces glutamic acid 759 with lysine.
Molecular consequence: missense variant.
Genome position (GRCh38, 1-based): chr2:173,266,622, G>A. VCF-style: chr2-173266622-G-A. GRCh37 (hg19) VCF-style: chr2-174131350-G-A.
Other names: short protein forms E759K.
Identifiers: ClinVar variation 1408669 (VCV001408669.6), dbSNP rs775186089, ClinGen allele CA1971064.
Genomic context (GRCh38, chr2:173,266,622, plus strand): 5'-CAACCCAACACCATACCAGGGATGCCTTTGCACCCTGAGACTGACTCAAGAGCCAGTGAA[G>A]AGGACAGCAAAGTCAGCGAAGGGGGCTGGACAAAAGTGGAATACCGGAAAAAGCCCCACA-3'
Protein context (NP_057737.2, residues 749-769): HPETDSRASE[Glu759Lys]DSKVSEGGWT

ClinVar aggregate classification (germline): Uncertain significance (1 of 4 stars; one submission).

Allele frequency attached by ClinVar (database versions not stated): ExAC 0.00001; gnomAD exomes 0.00001; TOPMed 0.00001; gnomAD 0.00002.
gnomAD v4.1: 17 of 1,613,788 alleles (0.0011%); highest among the groups gnomAD compares: African/African-American, 0.004%; no homozygotes.

Submission:

Labcorp Genetics (formerly Invitae), Labcorp
Classification: Uncertain significance. Last evaluated: 2021-08-19. Review status: criteria provided, single submitter. Criteria: Invitae Variant Classification Sherloc (09022015). Collection method: clinical testing. Allele origin: germline.
Comment: This variant is present in population databases (rs775186089, ExAC 0.002%). This variant has not been reported in the literature in individuals affected with MAP3K20-related conditions. Algorithms developed to predict the effect of missense changes on protein structure and function are either unavailable or do not agree on the potential impact of this missense change (SIFT: "Not Available"; PolyPhen-2: "Not Available"; Align-GVGD: "Not Available"). In summary, the available evidence is currently insufficient to determine the role of this variant in disease. Therefore, it has been classified as a Variant of Uncertain Significance. This sequence change replaces glutamic acid with lysine at codon 759 of the MAP3K20 protein (p.Glu759Lys). The glutamic acid residue is moderately conserved and there is a small physicochemical difference between glutamic acid and lysine.